The following is an entry in ClinVar:

NM_201253.3(CRB1):c.1459T>C (p.Ser487Pro)

Gene: CRB1 (crumbs cell polarity complex component 1; plus strand). Cytogenetic location: 1q31.3.
Variant type: single nucleotide variant.
Coding change: c.1459T>C on transcript NM_201253.3 (MANE Select); coding-DNA position 1459, T replaced by C.
Protein change: p.Ser487Pro; replaces serine 487 with proline.
Molecular consequence: missense variant. On other transcripts: non-coding transcript variant (2).
Genome position (GRCh38, 1-based): chr1:197,421,287, T>C. VCF-style: chr1-197421287-T-C. GRCh37 (hg19) VCF-style: chr1-197390417-T-C.
Other names: NC_000001.10:g.197390417T>C; NP_957705.1:p.(Ser487Pro); c.1123T>C, p.Ser375Pro (NM_001193640.2); c.1252T>C, p.Ser418Pro (NM_001257965.2); c.1459T>C, p.Ser487Pro (NM_001257966.2); c.1459T>C (NM_201253.2); short protein forms S375P, S418P, S487P.
Identifiers: ClinVar variation 2572562 (VCV002572562.5), dbSNP rs1664298414, ClinGen allele CA344031000.
Genomic context (GRCh38, chr1:197,421,287, plus strand): 5'-TTCAGCTGCCTATGTCCATCTGGCTACACCGGGTCCCTGTGTGAAATCGCAACCACACTT[T>C]CATTTGAGGGCGATGGCTTCCTGTGGGTCAAAAGTGGCTCAGTGACAACCAAGGGCTCAG-3'
Protein context (NP_957705.1, residues 477-497): GSLCEIATTL[Ser487Pro]FEGDGFLWVK

ClinVar aggregate classification (germline): Pathogenic/Likely pathogenic. Review status: criteria provided, multiple submitters, no conflicts (2 of 4 stars). 4 submissions from 4 submitters: Pathogenic (2); Likely pathogenic (2). Last evaluated 2025-05-13.

Conditions:
CRB1-related disorder. Also called: CRB1-related condition; CRB1-related disorders.
Retinal dystrophy. Also called: Inherited retinal dystrophy. Identifiers: Orphanet 71862, MedGen C0854723, MeSH D058499, MONDO:0019118, HP:0000556.
Leber congenital amaurosis (LCA). Also called: Leber's amaurosis. Identifiers: Orphanet 65, MedGen C0339527, MeSH D057130, MONDO:0018998.
Retinitis pigmentosa 12 (RP12). Also called: RP WITH OR WITHOUT PPRPE; RP WITH OR WITHOUT PRESERVED PARAARTERIOLE RETINAL PIGMENT EPITHELIUM; RETINITIS PIGMENTOSA WITH OR WITHOUT PARAARTERIOLAR PRESERVATION OF RETINAL PIGMENT EPITHELIUM. Identifiers: Orphanet 791, MedGen C1838647, MONDO:0010818, OMIM 600105.

gnomAD v4.1: 2 of 1,614,224 alleles (0.00012%); highest among the groups gnomAD compares: South Asian, 0.0022%; no homozygotes.

Submissions (4):

Natera, Inc.
Classification: Pathogenic for Leber congenital amaurosis. Last evaluated: 2025-05-13. Review status: criteria provided, single submitter. Criteria: Natera Variant Classification Schema (03/2026). Collection method: clinical testing. Allele origin: germline.
Comment: The c.1459T>C variant in CRB1 is a missense variant predicted to cause substitution of serine to proline at amino acid 487. This variant is rare in the general population with a frequency below the threshold expected for the associated phenotype(s). This variant has been observed in one or more individuals affected with the associated recessive disease, as either homozygous or compound heterozygous with a second variant (PMID: 39766915). Additionally, this variant has been observed to segregate in affected family members (PMID: 39766915). Computational prediction algorithms indicate this variant is likely to affect gene or protein function. Given the available evidence, this variant is classified as Pathogenic.

Ophthalmic Genetics Group, Institute of Molecular and Clinical Ophthalmology Basel
Classification: Likely pathogenic for Retinal dystrophy. Last evaluated: 2024-05-27. Review status: criteria provided, single submitter. Criteria: ACMG Guidelines, 2015. Collection method: research. Allele origin: germline. Affected: yes. Observed: 32 variant alleles.
Comment: This variant was classified as Likely pathogenic based on ACMG criteria: PM2_mod, PM3_sup, PP2_sup and PP3_mod

Blueprint Genetics
Classification: Pathogenic for CRB1-related disorders. Last evaluated: 2021-04-26. Review status: criteria provided, single submitter. Criteria: ACMG Guidelines, 2015. Collection method: clinical testing. Allele origin: germline. Affected: yes. Observed: 5 variant alleles.

3billion
Classification: Likely pathogenic for Retinitis pigmentosa 12. Review status: criteria provided, single submitter. Criteria: ACMG Guidelines, 2015. Collection method: clinical testing. Allele origin: unknown. Affected: yes. Observed: 1 homozygote.
Comment: The variant is not observed in the gnomAD v2.1.1 dataset. In silico tool predictions suggest damaging effect of the variant on gene or gene product (REVEL: 0.85; 3Cnet: 0.84). Same nucleotide change resulting in same amino acid change has been previously reported to be associated with CRB1 related disorder, and reported to be in trans with a pathogenic variant as homozygous in one similarly affected unrelated individual (PMID: 24265693 / 3billion dataset). Therefore, this variant is classified as Likely pathogenic according to the recommendation of ACMG/AMP guideline.

Literature cited by the submitters: PubMed 39766915 (cited by Natera, Inc.); PubMed 24265693 (cited by Ophthalmic Genetics Group, Institute of Molecular and Clinical Ophthalmology Basel and 3billion); PubMed 40180963 (cited by Ophthalmic Genetics Group, Institute of Molecular and Clinical Ophthalmology Basel).